The following is an entry in ClinVar:

ClinVar aggregate classification (germline): Pathogenic (1 of 4 stars; one submission).

Submission:

Labcorp Genetics (formerly Invitae), Labcorp
Classification: Pathogenic. Last evaluated: 2023-12-25. Review status: criteria provided, single submitter. Criteria: Invitae Variant Classification Sherloc (09022015). Collection method: clinical testing. Allele origin: germline.
Comment: This sequence change creates a premature translational stop signal (p.Trp329*) in the FBXL4 gene. It is expected to result in an absent or disrupted protein product. Loss-of-function variants in FBXL4 are known to be pathogenic (PMID: 23993193, 23993194, 25868664). This variant is not present in population databases (gnomAD no frequency). This variant has not been reported in the literature in individuals affected with FBXL4-related conditions. For these reasons, this variant has been classified as Pathogenic.

Literature cited by the submitters: PubMed 23993193; PubMed 23993194; PubMed 25868664.

NM_001278716.2(FBXL4):c.986G>A (p.Trp329Ter)

Gene: FBXL4 (F-box and leucine rich repeat protein 4; minus strand). Cytogenetic location: 6q16.2.
Variant type: single nucleotide variant.
Coding change: c.986G>A on transcript NM_001278716.2 (MANE Select); coding-DNA position 986, G replaced by A.
Protein change: p.Trp329Ter; replaces tryptophan 329 with a stop codon.
Molecular consequence: nonsense. On other transcripts: non-coding transcript variant (2).
Genome position (GRCh38, 1-based): chr6:98,905,543, C>T on the plus strand (G>A on the coding strand, the complement: FBXL4 is on the minus strand). VCF-style: chr6-98905543-C-T. GRCh37 (hg19) VCF-style: chr6-99353419-C-T.
Other names: c.986G>A, p.Trp329Ter (NM_012160.5); short protein forms W329*.
Identifiers: ClinVar variation 2695330 (VCV002695330.3), dbSNP rs1457616370, ClinGen allele CA365096186.